The following is an entry in ClinVar:

ClinVar aggregate classification (germline): Uncertain significance. Review status: criteria provided, multiple submitters, no conflicts (2 of 4 stars). 4 submissions from 4 submitters: Uncertain significance (4). Last evaluated 2025-10-13.

Conditions:
Cardiomyopathy (CMYO). Also called: Cardiomyopathies. Identifiers: Orphanet 167848, MedGen C0878544, MONDO:0004994, HP:0001638. Inheritance: Various modes of inheritance.
Arrhythmogenic cardiomyopathy with wooly hair and keratoderma. Also called: Carvajal syndrome; PALMOPLANTAR KERATODERMA WITH LEFT VENTRICULAR CARDIOMYOPATHY AND WOOLLY HAIR; Dilated cardiomyopathy with woolly hair and keratoderma; Arrhythmogenic cardiomyopathy with woolly hair and keratoderma. Identifiers: Orphanet 65282, MedGen C1854063, MONDO:0011581, OMIM 605676.
Arrhythmogenic right ventricular dysplasia 8 (ARVD8). Also called: Arrhythmogenic Right Ventricular Dysplasia/Cardiomyopathy 8; ARRHYTHMOGENIC RIGHT VENTRICULAR DYSPLASIA, FAMILIAL, 8; ARRHYTHMOGENIC RIGHT VENTRICULAR CARDIOMYOPATHY 8. Identifiers: MedGen C1843896, MONDO:0011831, OMIM 607450.

Allele frequency attached by ClinVar (database versions not stated): gnomAD exomes below 0.00001.
gnomAD v4.1: 4 of 1,614,158 alleles (0.00025%); highest among the groups gnomAD compares: Non-Finnish European, 0.00034%; no homozygotes.

Submissions (4):

Labcorp Genetics (formerly Invitae), Labcorp
Classification: Uncertain significance for Arrhythmogenic cardiomyopathy with wooly hair and keratoderma; Arrhythmogenic right ventricular dysplasia 8. Last evaluated: 2025-10-13. Review status: criteria provided, single submitter. Criteria: Invitae Variant Classification Sherloc (09022015). Collection method: clinical testing. Allele origin: germline.
Comment: This sequence change replaces glycine, which is neutral and non-polar, with aspartic acid, which is acidic and polar, at codon 2640 of the DSP protein (p.Gly2640Asp). This variant is not present in population databases (gnomAD no frequency). This variant has not been reported in the literature in individuals affected with DSP-related conditions. ClinVar contains an entry for this variant (Variation ID: 915496). An algorithm developed to predict the effect of missense changes on protein structure and function (PolyPhen-2) suggests that this variant is likely to be disruptive. In summary, the available evidence is currently insufficient to determine the role of this variant in disease. Therefore, it has been classified as a Variant of Uncertain Significance.

Blueprint Genetics
Classification: Uncertain significance. Last evaluated: 2022-06-06. Review status: criteria provided, single submitter. Criteria: ACMG Guidelines, 2015. Collection method: clinical testing. Allele origin: germline.

GeneDx
Classification: Uncertain significance. Last evaluated: 2021-06-30. Review status: criteria provided, single submitter. Criteria: GeneDx Variant Classification Process June 2021. Collection method: clinical testing. Allele origin: germline. Affected: yes.
Comment: Has not been previously published as pathogenic or benign to our knowledge; Not observed at significant frequency in large population cohorts (Lek et al., 2016); In silico analysis supports that this missense variant does not alter protein structure/function; Reported in ClinVar as a variant of uncertain significance (ClinVar Variant ID# 915496; Landrum et al., 2016); This variant is associated with the following publications: (PMID: 26582918, 27535533)

CHEO Genetics Diagnostic Laboratory, Children's Hospital of Eastern Ontario
Classification: Uncertain significance for Cardiomyopathy. Last evaluated: 2019-01-07. Review status: criteria provided, single submitter. Criteria: ACMG Guidelines, 2015. Collection method: clinical testing. Allele origin: germline.

NM_004415.4(DSP):c.7919G>A (p.Gly2640Asp)

Gene: DSP (desmoplakin; plus strand). Cytogenetic location: 6p24.3.
Variant type: single nucleotide variant.
Coding change: c.7919G>A on transcript NM_004415.4 (MANE Select); coding-DNA position 7919, G replaced by A.
Protein change: p.Gly2640Asp; replaces glycine 2640 with aspartic acid.
Molecular consequence: missense variant.
Genome position (GRCh38, 1-based): chr6:7,585,181, G>A. VCF-style: chr6-7585181-G-A. GRCh37 (hg19) VCF-style: chr6-7585414-G-A.
Other names: c.6122G>A, p.Gly2041Asp (NM_001008844.3); c.6590G>A, p.Gly2197Asp (NM_001319034.2); short protein forms G2197D, G2041D, G2640D.
Identifiers: ClinVar variation 915496 (VCV000915496.6), dbSNP rs1759606289, ClinGen allele CA362694060.